The following is an entry in ClinVar:

NM_000346.4(SOX9):c.253G>A (p.Asp85Asn)

Genes: SOX9 (SRY-box transcription factor 9; plus strand), LOC108021846 (SOX9 promoter region; plus strand). Cytogenetic location: 17q24.3.
Variant type: single nucleotide variant.
Coding change: c.253G>A on transcript NM_000346.4 (MANE Select); coding-DNA position 253, G replaced by A.
Protein change: p.Asp85Asn; replaces aspartic acid 85 with asparagine.
Molecular consequence: missense variant.
Genome position (GRCh38, 1-based): chr17:72,121,644, G>A. VCF-style: chr17-72121644-G-A. GRCh37 (hg19) VCF-style: chr17-70117785-G-A.
Other names: short protein forms D85N.
Identifiers: ClinVar variation 3907449 (VCV003907449.1).

ClinVar aggregate classification (germline): Uncertain significance (1 of 4 stars; one submission).

gnomAD v4.1: 3 of 1,600,358 alleles (0.00019%); highest among the groups gnomAD compares: Non-Finnish European, 0.00026%; no homozygotes.

Submission:

Women's Health and Genetics/Laboratory Corporation of America, LabCorp
Classification: Uncertain significance. Last evaluated: 2025-06-26. Review status: criteria provided, single submitter. Criteria: LabCorp Variant Classification Summary - May 2015. Collection method: clinical testing. Allele origin: germline.
Comment: Variant summary: SOX9 c.253G>A (p.Asp85Asn) results in a conservative amino acid change in the encoded protein sequence. Algorithms developed to predict the effect of missense changes on protein structure and function are either unavailable or do not agree on the potential impact of this missense change. The variant was absent in 224122 control chromosomes. The available data on variant occurrences in the general population are insufficient to allow any conclusion about variant significance. To our knowledge, no occurrence of c.253G>A in individuals affected with Camptomelic Dysplasia and no experimental evidence demonstrating its impact on protein function have been reported. No submitters have cited clinical-significance assessments for this variant to ClinVar. Based on the evidence outlined above, the variant was classified as uncertain significance.